The following is an entry in ClinVar:

NM_003579.4(RAD54L):c.935T>C (p.Leu312Pro)

Gene: RAD54L (RAD54 like; plus strand). Cytogenetic location: 1p34.1.
Variant type: single nucleotide variant.
Coding change: c.935T>C on transcript NM_003579.4 (MANE Select); coding-DNA position 935, T replaced by C.
Protein change: p.Leu312Pro; replaces leucine 312 with proline.
Molecular consequence: missense variant.
Genome position (GRCh38, 1-based): chr1:46,267,502, T>C. VCF-style: chr1-46267502-T-C. GRCh37 (hg19) VCF-style: chr1-46733174-T-C.
Other names: c.935T>C, p.Leu312Pro (NM_001142548.2); c.395T>C, p.Leu132Pro (NM_001370766.1); short protein forms L132P, L312P.
Identifiers: ClinVar variation 3429821 (VCV003429821.1).

ClinVar aggregate classification (germline): Uncertain significance (1 of 4 stars; one submission).

Submission:

Ambry Genetics
Classification: Uncertain significance. Last evaluated: 2024-10-04. Review status: criteria provided, single submitter. Criteria: Ambry Variant Classification Scheme 2023. Collection method: clinical testing. Allele origin: germline.
Comment: The p.L312P variant (also known as c.935T>C), located in coding exon 9 of the RAD54L gene, results from a T to C substitution at nucleotide position 935. The leucine at codon 312 is replaced by proline, an amino acid with similar properties. This amino acid position is conserved. In addition, this alteration is predicted to be deleterious by in silico analysis. Based on the available evidence, the clinical significance of this variant remains unclear.